The following is an entry in ClinVar:

ClinVar aggregate classification (germline): Conflicting classifications of pathogenicity. Review status: criteria provided, conflicting classifications (1 of 4 stars). 4 submissions from 4 submitters: Uncertain significance (3); Likely benign (1). Last evaluated 2025-03-12.

Conditions:
Fetal akinesia deformation sequence 3. Identifiers: MedGen C4760599, MONDO:0100103, OMIM 618389.
Congenital myasthenic syndrome 10. Also called: Myasthenia, limb-girdle, familial. Identifiers: Orphanet 590, MedGen C1850792, MONDO:0009690, OMIM 254300.
DOK7-related disorder. Also called: DOK7-related condition.
Fetal akinesia deformation sequence 1 (FADS1). Also called: Fetal akinesia sequence; Pena-Shokeir syndrome type I. Identifiers: Orphanet 994, MedGen C1276035, MONDO:0100101, OMIM 208150, HP:0001989.

Allele frequency attached by ClinVar (database versions not stated): gnomAD exomes 0.00024; ExAC 0.00026; gnomAD 0.00027 and 0.00029; 1000 Genomes Project 30x 0.00031; TOPMed 0.00046.
gnomAD v4.1: 406 of 1,598,000 alleles (0.025%); highest among the groups gnomAD compares: Middle Eastern, 0.51%; 2 homozygotes.

Submissions (4):

PreventionGenetics, part of Exact Sciences
Classification: Likely benign for DOK7-related condition. Last evaluated: 2025-03-12. Review status: criteria provided, single submitter. Criteria: ACMG Guidelines, 2015. Collection method: clinical testing. Allele origin: germline.
Comment: This variant is classified as likely benign based on ACMG/AMP sequence variant interpretation guidelines (Richards et al. 2015 PMID: 25741868, with internal and published modifications).

Labcorp Genetics (formerly Invitae), Labcorp
Classification: Uncertain significance for Congenital myasthenic syndrome 10; Fetal akinesia deformation sequence 1. Last evaluated: 2022-10-03. Review status: criteria provided, single submitter. Criteria: Invitae Variant Classification Sherloc (09022015). Collection method: clinical testing. Allele origin: germline.
Comment: This sequence change replaces tryptophan, which is neutral and slightly polar, with cysteine, which is neutral and slightly polar, at codon 475 of the DOK7 protein (p.Trp475Cys). This variant is present in population databases (rs777626370, gnomAD 0.06%). This variant has not been reported in the literature in individuals affected with DOK7-related conditions. ClinVar contains an entry for this variant (Variation ID: 452145). Algorithms developed to predict the effect of missense changes on protein structure and function output the following: SIFT: "Tolerated"; PolyPhen-2: "Probably Damaging"; Align-GVGD: "Class C0". The cysteine amino acid residue is found in multiple mammalian species, which suggests that this missense change does not adversely affect protein function. In summary, the available evidence is currently insufficient to determine the role of this variant in disease. Therefore, it has been classified as a Variant of Uncertain Significance.

Baylor Genetics
Classification: Uncertain significance for Congenital myasthenic syndrome 10. Last evaluated: 2018-10-15. Review status: criteria provided, single submitter. Criteria: ACMG Guidelines, 2015. Collection method: clinical testing. Allele origin: paternal. Affected: yes.
Comment: This variant was determined to be of uncertain significance according to ACMG Guidelines, 2015 [PMID:25741868].

GeneDx
Classification: Uncertain significance. Last evaluated: 2017-09-25. Review status: criteria provided, single submitter. Criteria: GeneDx Variant Classification (06012015). Collection method: clinical testing. Allele origin: germline. Affected: yes.
Comment: A variant of uncertain significance has been identified in the DOK7 gene. The W475C variant has not been published as a pathogenic variant, nor has it been reported as a benign variant to our knowledge. The W475C variant is observed in 4/5282 (0.1%) alleles from individuals of Latino background, including 1 homozygous individual in large population cohorts (Lek et al., 2016). The W475C variant is a non-conservative amino acid substitution, which is likely to impact secondary protein structure as these residues differ in polarity, charge, size and/or other properties. In silico analysis predicts this variant is probably damaging to the protein structure/function. However, this substitution occurs at a position that is not conserved. Therefore, based on the currently available information, it is unclear whether this variant is a pathogenic variant or a rare benign variant.

NM_173660.5(DOK7):c.1425G>T (p.Trp475Cys)

Gene: DOK7 (docking protein 7; plus strand). Cytogenetic location: 4p16.3.
Variant type: single nucleotide variant.
Coding change: c.1425G>T on transcript NM_173660.5 (MANE Select); coding-DNA position 1425, G replaced by T.
Protein change: p.Trp475Cys; replaces tryptophan 475 with cysteine.
Molecular consequence: missense variant. On other transcripts: 3 prime UTR variant (1).
Genome position (GRCh38, 1-based): chr4:3,493,411, G>T. VCF-style: chr4-3493411-G-T. GRCh37 (hg19) VCF-style: chr4-3495138-G-T.
Other names: c.*646G>T (NM_001164673.2); c.495G>T, p.Trp165Cys (NM_001256896.2); c.1425G>T, p.Trp475Cys (NM_001301071.2); c.993G>T, p.Trp331Cys (NM_001363811.2); short protein forms W475C, W165C, W331C.
Identifiers: ClinVar variation 452145 (VCV000452145.10), dbSNP rs777626370, ClinGen allele CA2829515.